The following is an entry in ClinVar:

NM_001194998.2(CEP152):c.3172del (p.Gln1058fs)

Gene: CEP152 (centrosomal protein 152; minus strand). Cytogenetic location: 15q21.1.
Variant type: Deletion.
Coding change: c.3172del on transcript NM_001194998.2 (MANE Select); coding-DNA position 3172, one base deleted (C; older notation c.3172delC).
Protein change: p.Gln1058fs; shifts the reading frame from glutamine 1058.
Molecular consequence: frameshift variant.
Genome position (GRCh38, 1-based): chr15:48,756,076, G deleted on the plus strand (C on the coding strand, the reverse complement: CEP152 is on the minus strand); the first of 3 consecutive G bases (chr15:48,756,076-48,756,078); deleting any one gives the same sequence. VCF-style (leftmost placement, unchanged base first): chr15-48756075-TG-T. GRCh37 (hg19) VCF-style: chr15-49048272-TG-T.
Other names: c.3172del, p.Gln1058fs (NM_014985.4); short protein forms Q1058fs.
Identifiers: ClinVar variation 2636246 (VCV002636246.5), dbSNP rs2504602075, ClinGen allele CA2628343362.
Genomic context (GRCh38, chr15:48,756,075, plus strand): 5'-GAACAAGTCGACATGATTTCCAAAAGCTGCTTGTCCTCAGAATCACTGATGTGCTCCTTT[TG>T]GGTATCACTTAAAAGAACCCCAAGTACAGTCAGGATGTCTTCCTCATACTGATAGATTTC-3'

ClinVar aggregate classification (germline): Pathogenic/Likely pathogenic. Review status: criteria provided, multiple submitters, no conflicts (2 of 4 stars). 3 submissions from 3 submitters: Pathogenic (2); Likely pathogenic (1). Last evaluated 2024-04-29.

Conditions:
CEP152-related disorder. Also called: CEP152-related condition; CEP152-related disorders. Identifiers: MedGen CN239248.
Seckel syndrome 5 (SCKL5). Identifiers: Orphanet 808, MedGen C3151187, MONDO:0013443, OMIM 613823.
Microcephaly 9, primary, autosomal recessive. Identifiers: Orphanet 2512, MedGen C3553886, MONDO:0013923, OMIM 614852.

Submissions (3):

Fulgent Genetics
Classification: Likely pathogenic for Seckel syndrome 5; Microcephaly 9, primary, autosomal recessive. Last evaluated: 2024-04-29. Review status: criteria provided, single submitter. Criteria: ACMG Guidelines, 2015. Collection method: clinical testing. Allele origin: germline.

Labcorp Genetics (formerly Invitae), Labcorp
Classification: Pathogenic. Last evaluated: 2023-01-09. Review status: criteria provided, single submitter. Criteria: Invitae Variant Classification Sherloc (09022015). Collection method: clinical testing. Allele origin: germline.
Comment: For these reasons, this variant has been classified as Pathogenic. This variant has not been reported in the literature in individuals affected with CEP152-related conditions. This variant is not present in population databases (gnomAD no frequency). This sequence change creates a premature translational stop signal (p.Gln1058Lysfs*33) in the CEP152 gene. It is expected to result in an absent or disrupted protein product. Loss-of-function variants in CEP152 are known to be pathogenic (PMID: 21131973).

PreventionGenetics, part of Exact Sciences
Classification: Pathogenic for CEP152-related condition. Last evaluated: 2022-09-11. Review status: criteria provided, single submitter. Criteria: ACMG Guidelines, 2015. Collection method: clinical testing. Allele origin: germline.
Comment: The CEP152 c.3172delC variant is predicted to result in a frameshift and premature protein termination (p.Gln1058Lysfs*33). To our knowledge, this variant has not been reported in the literature or in a large population database, indicating this variant is rare. Frameshift variants in CEP152 are expected to be pathogenic. This variant is interpreted as pathogenic.

Literature cited by the submitters: PubMed 21131973 (cited by Labcorp Genetics (formerly Invitae), Labcorp).